The following is an entry in ClinVar:

ClinVar aggregate classification (germline): Uncertain significance (1 of 4 stars; one submission).

Submission:

Labcorp Genetics (formerly Invitae), Labcorp
Classification: Uncertain significance. Last evaluated: 2024-10-08. Review status: criteria provided, single submitter. Criteria: Invitae Variant Classification Sherloc (09022015). Collection method: clinical testing. Allele origin: germline.
Comment: This sequence change replaces leucine, which is neutral and non-polar, with proline, which is neutral and non-polar, at codon 420 of the SPTB protein (p.Leu420Pro). This variant is not present in population databases (gnomAD no frequency). This variant has not been reported in the literature in individuals affected with SPTB-related conditions. An algorithm developed to predict the effect of missense changes on protein structure and function (PolyPhen-2) suggests that this variant is likely to be disruptive. In summary, the available evidence is currently insufficient to determine the role of this variant in disease. Therefore, it has been classified as a Variant of Uncertain Significance.

NM_001355436.2(SPTB):c.1259T>C (p.Leu420Pro)

Gene: SPTB (spectrin beta, erythrocytic; minus strand). Cytogenetic location: 14q23.3.
Variant type: single nucleotide variant.
Coding change: c.1259T>C on transcript NM_001355436.2 (MANE Select); coding-DNA position 1259, T replaced by C.
Protein change: p.Leu420Pro; replaces leucine 420 with proline.
Molecular consequence: missense variant.
Genome position (GRCh38, 1-based): chr14:64,796,639, A>G on the plus strand (T>C on the coding strand, the complement: SPTB is on the minus strand). VCF-style: chr14-64796639-A-G. GRCh37 (hg19) VCF-style: chr14-65263357-A-G.
Other names: c.1259T>C, p.Leu420Pro (NM_001024858.4, NM_001355437.2); short protein forms L420P.
Identifiers: ClinVar variation 3633652 (VCV003633652.2).